The following is an entry in ClinVar:

ClinVar aggregate classification (germline): Uncertain significance (1 of 4 stars; one submission).

Conditions:
Autosomal recessive limb-girdle muscular dystrophy type R18 (LGMDR18). Also called: Autosomal recessive limb-girdle muscular dystrophy type 2S; MUSCULAR DYSTROPHY, LIMB-GIRDLE, AUTOSOMAL RECESSIVE 18; Limb-girdle muscular dystrophy, type 2S. Identifiers: Orphanet 369840, MedGen C4517996, MONDO:0014144, OMIM 615356.

Allele frequency attached by ClinVar (database versions not stated): gnomAD exomes below 0.00001; ExAC 0.00001.

Submission:

Labcorp Genetics (formerly Invitae), Labcorp
Classification: Uncertain significance for Autosomal recessive limb-girdle muscular dystrophy type R18. Last evaluated: 2022-11-01. Review status: criteria provided, single submitter. Criteria: Invitae Variant Classification Sherloc (09022015). Collection method: clinical testing. Allele origin: germline.
Comment: Advanced modeling of protein sequence and biophysical properties (such as structural, functional, and spatial information, amino acid conservation, physicochemical variation, residue mobility, and thermodynamic stability) performed at Invitae indicates that this missense variant is not expected to disrupt TRAPPC11 protein function. In summary, the available evidence is currently insufficient to determine the role of this variant in disease. Therefore, it has been classified as a Variant of Uncertain Significance. This variant has not been reported in the literature in individuals affected with TRAPPC11-related conditions. This variant is present in population databases (rs755173178, gnomAD 0.0009%). This sequence change replaces threonine, which is neutral and polar, with serine, which is neutral and polar, at codon 269 of the TRAPPC11 protein (p.Thr269Ser).

NM_021942.6(TRAPPC11):c.806C>G (p.Thr269Ser)

Gene: TRAPPC11 (trafficking protein particle complex subunit 11; plus strand). Cytogenetic location: 4q35.1.
Variant type: single nucleotide variant.
Coding change: c.806C>G on transcript NM_021942.6 (MANE Select); coding-DNA position 806, C replaced by G.
Protein change: p.Thr269Ser; replaces threonine 269 with serine.
Molecular consequence: missense variant.
Genome position (GRCh38, 1-based): chr4:183,677,529, C>G. VCF-style: chr4-183677529-C-G. GRCh37 (hg19) VCF-style: chr4-184598682-C-G.
Other names: c.806C>G, p.Thr269Ser (NM_199053.3); short protein forms T269S.
Identifiers: ClinVar variation 2200942 (VCV002200942.2), dbSNP rs755173178, ClinGen allele CA3151710.